The following is an entry in ClinVar:

NM_000133.4(F9):c.1229A>T (p.Asp410Val)

Gene: F9 (coagulation factor IX; plus strand). Cytogenetic location: Xq27.1.
Variant type: single nucleotide variant.
Coding change: c.1229A>T on transcript NM_000133.4 (MANE Select); coding-DNA position 1229, A replaced by T.
Protein change: p.Asp410Val; replaces aspartic acid 410 with valine.
Molecular consequence: missense variant.
Genome position (GRCh38, 1-based): chrX:139,561,914, A>T. VCF-style: chrX-139561914-A-T. GRCh37 (hg19) VCF-style: chrX-138644073-A-T.
Other names: c.1115A>T, p.Asp372Val (NM_001313913.2); short protein forms D372V, D410V.
Identifiers: ClinVar variation 994026 (VCV000994026.8), dbSNP rs1928125452, ClinGen allele CA414446636.

ClinVar aggregate classification (germline): Likely pathogenic (1 of 4 stars; one submission).

Submission:

ARUP Laboratories, Molecular Genetics and Genomics, ARUP Laboratories
Classification: Likely pathogenic. Last evaluated: 2019-07-24. Review status: criteria provided, single submitter. Criteria: ARUP Molecular Germline Variant Investigation Process. Collection method: clinical testing. Allele origin: germline.
Comment: The F9 c.1229A>T; p.Asp410Val variant, also known as Asp364Val, has been published in at least two individuals with hemophilia B (Chen 1991, Yu 2012). Additionally, other variants in the same codon (c.1228G>A; p.Asp410Asn, c.1228G>C; p.Asp410His, c.1228G>T; p.Asp410Tyr, c.1229A>G; p.Asp410Gly, c.1230T>G; p.Asp410Glu) are described in individuals with hemophilia B (see link to F9 database below). This variant is absent from general population databases (Exome Variant Server, Genome Aggregation Database), indicating it is not a common polymorphism. The amino acid at codon 410 is highly conserved, and computational analyses (SIFT, PolyPhen-2) predict that this variant is deleterious. Considering available information, this variant is classified as likely pathogenic. References: Link to F9 database: Chen SH et al. CG dinucleotide transitions in the factor IX gene account for about half of the point mutations in hemophilia B patients: a Seattle series. Hum Genet. 1991 Jun;87(2):177-82. Yu T et al. Spectrum of F9 mutations in Chinese haemophilia B patients: identification of 20 novel mutations. Pathology. 2012 Jun;44(4):342-7.